The following is an entry in ClinVar:

ClinVar aggregate classification (germline): Uncertain significance (1 of 4 stars; one submission).

Conditions:
SH2B1-related disorder. Also called: SH2B1-related condition.

Allele frequency attached by ClinVar (database versions not stated): ExAC 0.00001; gnomAD 0.00002; TOPMed 0.00002.
gnomAD v4.1: 23 of 1,607,600 alleles (0.0014%); highest among the groups gnomAD compares: Middle Eastern, 0.016%; no homozygotes.

Submission:

PreventionGenetics, part of Exact Sciences
Classification: Uncertain significance for SH2B1-related condition. Last evaluated: 2026-08-07. Review status: criteria provided, single submitter. Criteria: ACMG Guidelines, 2015. Collection method: clinical testing. Allele origin: germline.
Comment: The SH2B1 c.2039G>A variant is predicted to result in the amino acid substitution p.Arg680Gln. This variant has been reported in the heterozygous state in an individual with obesity (Criscuolo et al. [Abstract]. 2022.). This variant is reported in 0.0065% of alleles in individuals of African descent in gnomAD. At this time, the clinical significance of this variant is uncertain due to the absence of conclusive functional and genetic evidence.

NM_001387430.1(SH2B1):c.1898-189G>A

Gene: SH2B1 (SH2B adaptor protein 1; plus strand). Cytogenetic location: 16p11.2.
Variant type: single nucleotide variant.
Coding change: c.1898-189G>A on transcript NM_001387430.1 (MANE Select); 189 bases into the intron before coding-DNA position 1898, G replaced by A.
Molecular consequence: intron variant. On other transcripts: synonymous variant (4), missense variant (1).
Genome position (GRCh38, 1-based): chr16:28,873,258, G>A. VCF-style: chr16-28873258-G-A. GRCh37 (hg19) VCF-style: chr16-28884579-G-A.
Other names: c.1986G>A, p.Ala662= (NM_001145796.2, NM_001145812.2, NM_015503.3); c.2039G>A, p.Arg680Gln (NM_001145797.2); c.978G>A, p.Ala326= (NM_001308294.2); c.1898-189G>A (NM_001308293.2, NM_001387404.1, NM_001145795.2); short protein forms R680Q.
Identifiers: ClinVar variation 2634299 (VCV002634299.2), dbSNP rs773172485, ClinGen allele CA7986370.